The following is an entry in ClinVar:

NM_006767.4(LZTR1):c.993+6G>A

Gene: LZTR1 (leucine zipper like post translational regulator 1; plus strand). Cytogenetic location: 22q11.21.
Variant type: single nucleotide variant.
Coding change: c.993+6G>A on transcript NM_006767.4 (MANE Select); 6 bases into the intron after coding-DNA position 993, G replaced by A.
Molecular consequence: intron variant.
Genome position (GRCh38, 1-based): chr22:20,991,835, G>A. VCF-style: chr22-20991835-G-A. GRCh37 (hg19) VCF-style: chr22-21346124-G-A.
Identifiers: ClinVar variation 2878308 (VCV002878308.3), dbSNP rs1484954487, ClinGen allele CA638942458.
Genomic context (GRCh38, chr22:20,991,835, plus strand): 5'-CTATGACGTGGACTTCCAGACCTGGGAGGTCGTCCAGCCCAGCTCCGACAGCGAGGTGAG[G>A]GTGCCCAGGGGTGTCCTGACCTGCCAGCTGGACACCAGTAGCTCCTACCCTGCTCCCACC-3'

ClinVar aggregate classification (germline): Uncertain significance (1 of 4 stars; one submission).

Allele frequency attached by ClinVar (database versions not stated): gnomAD exomes below 0.00001; gnomAD 0.00001; TOPMed 0.00001.

Submission:

Labcorp Genetics (formerly Invitae), Labcorp
Classification: Uncertain significance. Last evaluated: 2025-04-29. Review status: criteria provided, single submitter. Criteria: Invitae Variant Classification Sherloc (09022015). Collection method: clinical testing. Allele origin: germline.
Comment: This sequence change falls in intron 9 of the LZTR1 gene. It does not directly change the encoded amino acid sequence of the LZTR1 protein. It affects a nucleotide within the consensus splice site. This variant is present in population databases (no rsID available, gnomAD 0.003%). This variant has not been reported in the literature in individuals affected with LZTR1-related conditions. ClinVar contains an entry for this variant (Variation ID: 2878308). Variants that disrupt the consensus splice site are a relatively common cause of aberrant splicing (PMID: 17576681, 9536098). Algorithms developed to predict the effect of sequence changes on RNA splicing suggest that this variant is not likely to affect RNA splicing. In summary, the available evidence is currently insufficient to determine the role of this variant in disease. Therefore, it has been classified as a Variant of Uncertain Significance.

Literature cited by the submitters: PubMed 17576681; PubMed 9536098.